The following is an entry in ClinVar:

ClinVar aggregate classification (germline): Uncertain significance (1 of 4 stars; one submission).

Conditions:
Familial thoracic aortic aneurysm and aortic dissection (TAAD). Also called: Thoracic aortic aneurysms and dissections. Identifiers: Orphanet 91387, MedGen C4707243, MONDO:0019625.

Submission:

All of Us Research Program, National Institutes of Health
Classification: Uncertain significance for Familial thoracic aortic aneurysm and aortic dissection. Last evaluated: 2024-07-10. Review status: criteria provided, single submitter. Criteria: ACMG Guidelines, 2015. Collection method: clinical testing. Allele origin: germline. Inheritance: Autosomal dominant inheritance. Observed: 1 variant allele, 1 heterozygote.
Comment: This missense variant replaces asparagine with isoleucine at codon 243 of the MYH11 protein. Computational prediction suggests that this variant may have deleterious impact on protein structure and function (internally defined REVEL score threshold >= 0.7, PMID: 27666373). To our knowledge, functional studies have not been reported for this variant. This variant has not been reported in individuals affected with MYH11-related disorders in the literature. This variant has not been identified in the general population by the Genome Aggregation Database (gnomAD). The available evidence is insufficient to determine the role of this variant in disease conclusively. Therefore, this variant is classified as a Variant of Uncertain Significance.

This study involves interpretation of variants in research participants for the purpose of population health screening. Participant phenotype was not available at the time of variant classification. Additional details can be found in publication PMID: 35346344, PMCID: PMC8962531

NM_002474.3(MYH11):c.707A>T (p.Asn236Ile)

Gene: MYH11 (myosin heavy chain 11; minus strand). Cytogenetic location: 16p13.11.
Variant type: single nucleotide variant.
Coding change: c.707A>T on transcript NM_002474.3 (MANE Select); coding-DNA position 707, A replaced by T.
Protein change: p.Asn236Ile; replaces asparagine 236 with isoleucine.
Molecular consequence: missense variant.
Genome position (GRCh38, 1-based): chr16:15,782,404, T>A on the plus strand (A>T on the coding strand, the complement: MYH11 is on the minus strand). VCF-style: chr16-15782404-T-A. GRCh37 (hg19) VCF-style: chr16-15876261-T-A.
Other names: c.728A>T, p.Asn243Ile (NM_001040113.2, NM_001040114.2); c.707A>T, p.Asn236Ile (NM_022844.3); short protein forms N236I, N243I.
Identifiers: ClinVar variation 3387259 (VCV003387259.1).